The following is an entry in ClinVar:

NM_001378609.3(OTOGL):c.1561A>G (p.Thr521Ala)

Gene: OTOGL (otogelin like; plus strand). Cytogenetic location: 12q21.31.
Variant type: single nucleotide variant.
Coding change: c.1561A>G on transcript NM_001378609.3 (MANE Select); coding-DNA position 1561, A replaced by G.
Protein change: p.Thr521Ala; replaces threonine 521 with alanine.
Molecular consequence: missense variant.
Genome position (GRCh38, 1-based): chr12:80,255,159, A>G. VCF-style: chr12-80255159-A-G. GRCh37 (hg19) VCF-style: chr12-80648939-A-G.
Other names: c.1561A>G, p.Thr521Ala (NM_001368062.3, NM_001378610.3, NM_173591.7); short protein forms T512A, T521A.
Identifiers: ClinVar variation 504845 (VCV000504845.8), dbSNP rs187504761, ClinGen allele CA6700501.

ClinVar aggregate classification (germline): Uncertain significance. Review status: criteria provided, multiple submitters, no conflicts (2 of 4 stars). 3 submissions from 3 submitters: Uncertain significance (3). Last evaluated 2025-02-15.

Allele frequency attached by ClinVar (database versions not stated): gnomAD exomes 0.00001 and 0.00003; ExAC 0.00004; ESP Exome Variant Server 0.00008; gnomAD 0.00015; TOPMed 0.00021; 1000 Genomes Project 30x 0.00031; 1000 Genomes Project 0.00040.
gnomAD v4.1: 35 of 1,519,814 alleles (0.0023%); highest among the groups gnomAD compares: Admixed American, 0.067%; no homozygotes.

Submissions (3):

Labcorp Genetics (formerly Invitae), Labcorp
Classification: Uncertain significance. Last evaluated: 2025-02-15. Review status: criteria provided, single submitter. Criteria: Invitae Variant Classification Sherloc (09022015). Collection method: clinical testing. Allele origin: germline.
Comment: This sequence change replaces threonine, which is neutral and polar, with alanine, which is neutral and non-polar, at codon 512 of the OTOGL protein (p.Thr512Ala). The frequency data for this variant in the population databases is considered unreliable, as metrics indicate poor data quality at this position in the gnomAD database. This variant has not been reported in the literature in individuals affected with OTOGL-related conditions. ClinVar contains an entry for this variant (Variation ID: 504845). An algorithm developed to predict the effect of missense changes on protein structure and function (PolyPhen-2) suggests that this variant is likely to be disruptive. In summary, the available evidence is currently insufficient to determine the role of this variant in disease. Therefore, it has been classified as a Variant of Uncertain Significance.

GeneDx
Classification: Uncertain significance. Last evaluated: 2021-11-18. Review status: criteria provided, single submitter. Criteria: GeneDx Variant Classification Process June 2021. Collection method: clinical testing. Allele origin: germline. Affected: yes.
Comment: Not observed at significant frequency in large population cohorts (Lek et al., 2016); In silico analysis supports that this missense variant has a deleterious effect on protein structure/function; Has not been previously published as pathogenic or benign to our knowledge

Laboratory for Molecular Medicine, Mass General Brigham Personalized Medicine
Classification: Uncertain significance. Last evaluated: 2017-08-03. Review status: criteria provided, single submitter. Criteria: LMM Criteria. Collection method: clinical testing. Allele origin: germline. Observed: 1 variant allele.
Comment: The p.Thr512Ala variant in OTOGL has not been previously reported in individuals with hearing loss, but has been identified in 1/15438 Latino chromosomes and 1/ 61276 European chromosomes by the Genome Aggregation Database (gnomAD; dbSNP rs187504761). Although this variant has been seen in the general population, its frequency is not high enough to rule out a patho genic role. Computational prediction tools and conservation analysis suggest tha t the variant may impact the protein, though this information is not predictive enough to determine pathogenicity. In summary, the clinical significance of the p.Thr512Ala variant is uncertain.